The following is an entry in ClinVar:

ClinVar aggregate classification (germline): Likely benign. Review status: criteria provided, multiple submitters, no conflicts (2 of 4 stars). 3 submissions from 3 submitters: Likely benign (3). Last evaluated 2023-10-10.

Conditions:
Cardiovascular phenotype. Identifiers: MedGen CN230736.
Arrhythmogenic cardiomyopathy with wooly hair and keratoderma. Also called: Dilated cardiomyopathy with woolly hair and keratoderma; Arrhythmogenic cardiomyopathy with woolly hair and keratoderma; PALMOPLANTAR KERATODERMA WITH LEFT VENTRICULAR CARDIOMYOPATHY AND WOOLLY HAIR; Carvajal syndrome. Identifiers: Orphanet 65282, MedGen C1854063, MONDO:0011581, OMIM 605676.
Arrhythmogenic right ventricular dysplasia 8 (ARVD8). Also called: Arrhythmogenic Right Ventricular Dysplasia/Cardiomyopathy 8; ARRHYTHMOGENIC RIGHT VENTRICULAR DYSPLASIA, FAMILIAL, 8; ARRHYTHMOGENIC RIGHT VENTRICULAR CARDIOMYOPATHY 8. Identifiers: MedGen C1843896, MONDO:0011831, OMIM 607450.

Allele frequency attached by ClinVar (database versions not stated): TOPMed 0.00001; gnomAD 0.00003.

Submissions (3):

Ambry Genetics
Classification: Likely benign for Cardiovascular phenotype. Last evaluated: 2023-10-10. Review status: criteria provided, single submitter. Criteria: Ambry Variant Classification Scheme 2023. Collection method: clinical testing. Allele origin: germline.

Labcorp Genetics (formerly Invitae), Labcorp
Classification: Likely benign for Arrhythmogenic cardiomyopathy with wooly hair and keratoderma; Arrhythmogenic right ventricular dysplasia 8. Last evaluated: 2023-04-24. Review status: criteria provided, single submitter. Criteria: Invitae Variant Classification Sherloc (09022015). Collection method: clinical testing. Allele origin: germline.

Laboratory for Molecular Medicine, Mass General Brigham Personalized Medicine
Classification: Likely benign. Last evaluated: 2012-09-28. Review status: criteria provided, single submitter. Criteria: LMM Criteria. Collection method: clinical testing. Allele origin: germline. Observed: 1 variant allele.
Comment: Glu1005Glu in exon 22 of DSP: This variant is not expected to have clinical sign ificance because it does not alter an amino acid residue and is not located with in the splice consensus sequence. Glu1005Glu in exon 22 of DSP (allele frequenc y = n/a)

NM_004415.4(DSP):c.3015A>G (p.Glu1005=)

Gene: DSP (desmoplakin; plus strand). Cytogenetic location: 6p24.3.
Variant type: single nucleotide variant.
Coding change: c.3015A>G on transcript NM_004415.4 (MANE Select); coding-DNA position 3015, A replaced by G.
Protein change: p.Glu1005=; no amino-acid change (glutamic acid 1005 retained).
Molecular consequence: synonymous variant.
Genome position (GRCh38, 1-based): chr6:7,578,493, A>G. VCF-style: chr6-7578493-A-G. GRCh37 (hg19) VCF-style: chr6-7578726-A-G.
Other names: c.3015A>G, p.Glu1005= (NM_001008844.3, NM_001319034.2).
Identifiers: ClinVar variation 44889 (VCV000044889.17), dbSNP rs397516930, ClinGen allele CA005712.